The following is an entry in ClinVar:

ClinVar aggregate classification (germline): Benign/Likely benign. Review status: criteria provided, multiple submitters, no conflicts (2 of 4 stars). 3 submissions from 3 submitters: Benign (2); Likely benign (1). Last evaluated 2026-01-31.

Conditions:
Abetalipoproteinaemia (ABL). Also called: MTP DEFICIENCY; Abetalipoproteinemia; Abetalipoproteinemia neuropathy; Apolipoprotein B deficiency; Congenital betalipoprotein deficiency syndrome. Identifiers: Orphanet 14, MedGen C0000744, MONDO:0008692, OMIM 200100, HP:0008181.

Allele frequency attached by ClinVar (database versions not stated): TOPMed 0.00072; ESP Exome Variant Server 0.00077; 1000 Genomes Project 30x 0.00172; gnomAD exomes 0.00185 and 0.00349; 1000 Genomes Project 0.00200; gnomAD 0.00262 and 0.00266; ExAC 0.00407.
gnomAD v4.1: 3,130 of 1,608,526 alleles (0.19%); highest among the groups gnomAD compares: Non-Finnish European, 0.098%; 27 homozygotes.

Submissions (3):

Labcorp Genetics (formerly Invitae), Labcorp
Classification: Benign. Last evaluated: 2026-01-31. Review status: criteria provided, single submitter. Criteria: Invitae Variant Classification Sherloc (09022015). Collection method: clinical testing. Allele origin: germline.

Mayo Clinic Laboratories, Mayo Clinic
Classification: Benign. Last evaluated: 2020-01-06. Review status: criteria provided, single submitter. Criteria: ACMG Guidelines, 2015. Collection method: clinical testing. Allele origin: germline. Observed: 3 variant alleles.

Illumina Laboratory Services, Illumina
Classification: Likely benign for Abetalipoproteinaemia. Last evaluated: 2018-01-12. Review status: criteria provided, single submitter. Criteria: ICSL Variant Classification Criteria 13 December 2019. Collection method: clinical testing. Allele origin: germline.
Comment: This variant was observed in the ICSL laboratory as part of a predisposition screen in an ostensibly healthy population. It had not been previously curated by ICSL or reported in the Human Gene Mutation Database (HGMD: prior to June 1st, 2018), and was therefore a candidate for classification through an automated scoring system. Utilizing variant allele frequency, disease prevalence and penetrance estimates, and inheritance mode, an automated score was calculated to assess if this variant is too frequent to cause the disease. Based on the score and internal cut-off values, a variant classified as likely benign is not then subjected to further curation. The score for this variant resulted in a classification of likely benign for this disease.

NM_001386140.1(MTTP):c.1557+7T>A

Gene: MTTP (microsomal triglyceride transfer protein; plus strand). Cytogenetic location: 4q23.
Variant type: single nucleotide variant.
Coding change: c.1557+7T>A on transcript NM_001386140.1 (MANE Select); 7 bases into the intron after coding-DNA position 1557, T replaced by A.
Molecular consequence: intron variant.
Genome position (GRCh38, 1-based): chr4:99,606,967, T>A. VCF-style: chr4-99606967-T-A. GRCh37 (hg19) VCF-style: chr4-100528124-T-A.
Other names: p.?; c.1557+7T>A (NM_000253.4); c.1308+7T>A (NM_001300785.2).
Identifiers: ClinVar variation 347035 (VCV000347035.15), dbSNP rs142706742, ClinGen allele CA3022123.